The following is an entry in ClinVar:

ClinVar aggregate classification (germline): Uncertain significance (1 of 4 stars; one submission).

Conditions:
Asphyxiating thoracic dystrophy 3. Also called: SHORT-RIB THORACIC DYSPLASIA 3 WITH OR WITHOUT POLYDACTYLY; POLYDACTYLY WITH NEONATAL CHONDRODYSTROPHY, TYPE I; SHORT-RIB THORACIC DYSPLASIA 3/6 WITH POLYDACTYLY, DIGENIC; Short rib polydactyly syndrome 2B; Saldino-Noonan Syndrome. Identifiers: Orphanet 474, Orphanet 93269, Orphanet 93270, Orphanet 93271, MedGen C0036069, MONDO:0013127, OMIM 613091.

gnomAD v4.1: 1 of 1,611,118 alleles (0.000062%); highest among the groups gnomAD compares: Non-Finnish European, 0.000085%; no homozygotes.

Submission:

Victorian Clinical Genetics Services, Murdoch Childrens Research Institute
Classification: Uncertain significance for Asphyxiating thoracic dystrophy 3. Last evaluated: 2024-10-09. Review status: criteria provided, single submitter. Criteria: ACMG Guidelines, 2015. Collection method: clinical testing. Allele origin: germline. Inheritance: Autosomal recessive inheritance. Affected: yes.
Comment: Based on the classification scheme VCGS_Germline_v1.3.5, this variant is classified as VUS-3A. Following criteria are met: 0102 - Loss of function is a known mechanism of disease in this gene and is associated with short-rib thoracic dysplasia 3 with or without polydactyly (MIM#613091). (I) 0106 - This gene is associated with autosomal recessive disease. (I) 0200 - Variant is predicted to result in a missense amino acid change from proline to threonine. (I) 0251 - This variant is heterozygous. (I) 0304 - Variant is present in gnomAD <0.01 for a recessive condition (v4: 1 heterozygote, 0 homozygotes). (SP) 0309 - An alternative amino acid change at the same position has been observed in gnomAD (v4: 5 heterozygotes, 0 homozygote). (I) 0502 - Missense variant with conflicting in silico predictions and uninformative conservation. (I) 0600 - Variant is located in the annotated AAA_7 domain (DECIPHER). (I) 0705 - No comparable missense variants have previous evidence for pathogenicity. (I) 0807 - This variant has no previous evidence of pathogenicity. (I) 0905 - No published segregation evidence has been identified for this variant. (I) 1007 - No published functional evidence has been identified for this variant. (I) Legend: (SP) - Supporting pathogenic, (I) - Information, (SB) - Supporting benign

NM_001377.3(DYNC2H1):c.6874C>A (p.Pro2292Thr)

Gene: DYNC2H1 (dynein cytoplasmic 2 heavy chain 1; plus strand). Cytogenetic location: 11q22.3.
Variant type: single nucleotide variant.
Coding change: c.6874C>A on transcript NM_001377.3 (MANE Select); coding-DNA position 6874, C replaced by A.
Protein change: p.Pro2292Thr; replaces proline 2292 with threonine.
Molecular consequence: missense variant.
Genome position (GRCh38, 1-based): chr11:103,186,482, C>A. VCF-style: chr11-103186482-C-A. GRCh37 (hg19) VCF-style: chr11-103057211-C-A.
Other names: c.6874C>A, p.Pro2292Thr (NM_001080463.2); short protein forms P2292T.
Identifiers: ClinVar variation 3377202 (VCV003377202.1).